The following is an entry in ClinVar:

ClinVar aggregate classification (germline): Uncertain significance. Review status: criteria provided, multiple submitters, no conflicts (2 of 4 stars). 2 submissions from 2 submitters: Uncertain significance (2). Last evaluated 2024-02-23.

Conditions:
Atrial standstill 1 (ATRST1). Also called: Atrial standstill, digenic (GJA5/SCN5A); ATRIAL CARDIOMYOPATHY WITH HEART BLOCK; CARDIOMYOPATHY, FAMILIAL, WITH CONDUCTION DISTURBANCE. Identifiers: Orphanet 1344, MedGen C4551959, MONDO:0007171, OMIM 108770.
Atrial fibrillation, familial, 11 (ATFB11). Identifiers: MedGen C3279693, MONDO:0013544, OMIM 614049.

Allele frequency attached by ClinVar (database versions not stated): gnomAD 0.00001; TOPMed 0.00001; ExAC 0.00002.
gnomAD v4.1: 49 of 1,613,958 alleles (0.003%); highest among the groups gnomAD compares: Non-Finnish European, 0.0042%; no homozygotes.

Submissions (2):

Labcorp Genetics (formerly Invitae), Labcorp
Classification: Uncertain significance for Atrial fibrillation, familial, 11; Atrial standstill 1. Last evaluated: 2024-02-23. Review status: criteria provided, single submitter. Criteria: Invitae Variant Classification Sherloc (09022015). Collection method: clinical testing. Allele origin: germline.
Comment: This sequence change replaces alanine, which is neutral and non-polar, with proline, which is neutral and non-polar, at codon 347 of the GJA5 protein (p.Ala347Pro). This variant is present in population databases (no rsID available, gnomAD 0.004%). This variant has not been reported in the literature in individuals affected with GJA5-related conditions. ClinVar contains an entry for this variant (Variation ID: 2037104). Experimental studies and prediction algorithms are not available or were not evaluated, and the functional significance of this variant is currently unknown. In summary, the available evidence is currently insufficient to determine the role of this variant in disease. Therefore, it has been classified as a Variant of Uncertain Significance.

GeneDx
Classification: Uncertain significance. Last evaluated: 2023-12-04. Review status: criteria provided, single submitter. Criteria: GeneDx Variant Classification Process June 2021. Collection method: clinical testing. Allele origin: germline. Affected: yes.
Comment: Has not been previously published as pathogenic or benign to our knowledge; Not observed at significant frequency in large population cohorts (gnomAD); In silico analysis supports that this missense variant has a deleterious effect on protein structure/function

NM_181703.4(GJA5):c.1039G>C (p.Ala347Pro)

Gene: GJA5 (gap junction protein alpha 5; minus strand). Cytogenetic location: 1q21.2.
Variant type: single nucleotide variant.
Coding change: c.1039G>C on transcript NM_181703.4 (MANE Select); coding-DNA position 1039, G replaced by C.
Protein change: p.Ala347Pro; replaces alanine 347 with proline.
Molecular consequence: missense variant.
Genome position (GRCh38, 1-based): chr1:147,758,200, C>G on the plus strand (G>C on the coding strand, the complement: GJA5 is on the minus strand). VCF-style: chr1-147758200-C-G. GRCh37 (hg19) VCF-style: chr1-147230308-C-G.
Other names: c.1039G>C, p.Ala347Pro (NM_005266.7); c.1039G>C (NM_005266.5); short protein forms A347P.
Identifiers: ClinVar variation 2037104 (VCV002037104.5), dbSNP rs1324379277, ClinGen allele CA1065653.
Genomic context (GRCh38, chr1:147,758,200, plus strand): 5'-CTGATCCTCCCATAAAGGAGGGTCACACTGATAGGTCATCTGACCTTGCCTTGCTGCTGG[C>G]CTTACTAAGACGTCGCTTGTCACTATGATAGCCATGGGGAAGGCGGTGACCTGGTGAGAC-3'
Protein context (NP_859054.1, residues 337-357): YHSDKRRLSK[Ala347Pro]SSKARSDDLS